The following is an entry in ClinVar:

ClinVar aggregate classification (germline): Uncertain significance. Review status: criteria provided, multiple submitters, no conflicts (2 of 4 stars). 2 submissions from 2 submitters: Uncertain significance (2). Last evaluated 2025-01-20.

Conditions:
Inborn genetic diseases. Identifiers: MedGen C0950123, MeSH D030342.
Combined immunodeficiency due to LRBA deficiency. Also called: Common variable immunodeficiency 8, with autoimmunity. Identifiers: Orphanet 445018, MedGen C3553512, MONDO:0013863, OMIM 614700.

Allele frequency attached by ClinVar (database versions not stated): gnomAD exomes 0.00004; ExAC 0.00005; TOPMed 0.00011; gnomAD 0.00013 and 0.00014; ESP Exome Variant Server 0.00015.
gnomAD v4.1: 73 of 1,610,740 alleles (0.0045%); highest among the groups gnomAD compares: African/African-American, 0.039%; no homozygotes.

Submissions (2):

Labcorp Genetics (formerly Invitae), Labcorp
Classification: Uncertain significance for Combined immunodeficiency due to LRBA deficiency. Last evaluated: 2025-01-20. Review status: criteria provided, single submitter. Criteria: Invitae Variant Classification Sherloc (09022015). Collection method: clinical testing. Allele origin: germline.
Comment: This sequence change replaces histidine, which is basic and polar, with tyrosine, which is neutral and polar, at codon 2522 of the LRBA protein (p.His2522Tyr). This variant is present in population databases (rs137983049, gnomAD 0.05%). This variant has not been reported in the literature in individuals affected with LRBA-related conditions. ClinVar contains an entry for this variant (Variation ID: 1398690). Invitae Evidence Modeling of protein sequence and biophysical properties (such as structural, functional, and spatial information, amino acid conservation, physicochemical variation, residue mobility, and thermodynamic stability) indicates that this missense variant is not expected to disrupt LRBA protein function with a negative predictive value of 80%. In summary, the available evidence is currently insufficient to determine the role of this variant in disease. Therefore, it has been classified as a Variant of Uncertain Significance.

Ambry Genetics
Classification: Uncertain significance for Inborn genetic diseases. Last evaluated: 2024-09-11. Review status: criteria provided, single submitter. Criteria: Ambry Variant Classification Scheme 2023. Collection method: clinical testing. Allele origin: germline.

NM_001364905.1(LRBA):c.7531C>T (p.His2511Tyr)

Gene: LRBA (LPS responsive beige-like anchor protein; minus strand). Cytogenetic location: 4q31.3.
Variant type: single nucleotide variant.
Coding change: c.7531C>T on transcript NM_001364905.1 (MANE Select); coding-DNA position 7531, C replaced by T.
Protein change: p.His2511Tyr; replaces histidine 2511 with tyrosine.
Molecular consequence: missense variant.
Genome position (GRCh38, 1-based): chr4:150,321,290, G>A on the plus strand (C>T on the coding strand, the complement: LRBA is on the minus strand). VCF-style: chr4-150321290-G-A. GRCh37 (hg19) VCF-style: chr4-151242442-G-A.
Other names: c.7531C>T, p.His2511Tyr (NM_001199282.3); c.7546C>T, p.His2516Tyr (NM_001367550.1); c.7564C>T, p.His2522Tyr (NM_006726.5); short protein forms H2516Y, H2522Y, H2511Y.
Identifiers: ClinVar variation 1398690 (VCV001398690.6), dbSNP rs137983049, ClinGen allele CA3101619.